The following is an entry in ClinVar:

NM_000059.4(BRCA2):c.8434_8435insTT (p.Gly2812fs)

Gene: BRCA2 (BRCA2 DNA repair associated; plus strand). Cytogenetic location: 13q13.1.
Variant type: Insertion.
Coding change: c.8434_8435insTT on transcript NM_000059.4 (MANE Select); coding-DNA positions 8434 to 8435, TT inserted.
Protein change: p.Gly2812fs; shifts the reading frame from glycine 2812.
Molecular consequence: frameshift variant. On other transcripts: non-coding transcript variant (1).
Genome position: GRCh38 VCF-style: chr13-32370504-G-GTT. GRCh37 (hg19) VCF-style: chr13-32944641-G-GTT.
Other names: c.8338_8339insTT, p.Gly2780fs (NM_001406719.1); c.8434_8435insTT, p.Gly2812fs (NM_001406720.1); c.3502_3503insTT, p.Gly1168fs (NM_001406721.1); c.2017_2018insTT, p.Gly673fs (NM_001406722.1); short protein forms G1168fs, G2780fs, G2812fs, G673fs.
Identifiers: ClinVar variation 3229282 (VCV003229282.1), dbSNP rs886040774, ClinGen allele CA2695217931.

ClinVar aggregate classification (germline): Pathogenic (1 of 4 stars; one submission).

Conditions:
Hereditary cancer-predisposing syndrome. Also called: Neoplastic Syndromes, Hereditary; Tumor predisposition; Hereditary neoplastic syndrome; Hereditary Cancer Syndrome. Identifiers: Orphanet 140162, MedGen C0027672, MeSH D009386, MONDO:0015356.

Submission:

Ambry Genetics
Classification: Pathogenic for Hereditary cancer-predisposing syndrome. Last evaluated: 2023-10-02. Review status: criteria provided, single submitter. Criteria: Ambry Variant Classification Scheme 2023. Collection method: clinical testing. Allele origin: germline.
Comment: The c.8434_8435insTT pathogenic mutation, located in coding exon 18 of the BRCA2 gene, results from an insertion of two nucleotides at position 8434, causing a translational frameshift with a predicted alternate stop codon (p.G2812Vfs*10). This mutation has been reported in a family having multiple individuals with HBOC-related solid tumors and/or hematological malignancies (Yin F et al. Leuk Lymphoma, 2021 May;62:1275-1277). In addition to the clinical data presented in the literature, this alteration is expected to result in loss of function by premature protein truncation or nonsense-mediated mRNA decay. As such, this alteration is interpreted as a disease-causing mutation.

Literature cited by the submitters: PubMed 33345658.